The following is an entry in ClinVar:

ClinVar aggregate classification (germline): Pathogenic. Review status: criteria provided, multiple submitters, no conflicts (2 of 4 stars). 2 submissions from 2 submitters: Pathogenic (2). Last evaluated 2023-02-10.

Conditions:
Ornithine carbamoyltransferase deficiency (OTCD). Also called: ORNITHINE TRANSCARBAMYLASE DEFICIENCY; ORNITHINE TRANSCARBAMYLASE DEFICIENCY, HYPERAMMONEMIA DUE TO; OTC DEFICIENCY; Ornithine Carbamoyltransferase Deficiency Disease. Identifiers: Orphanet 664, MedGen C0268542, MONDO:0010703, OMIM 311250.

Submissions (2):

Revvity Omics, Revvity
Classification: Pathogenic for Ornithine carbamoyltransferase deficiency. Last evaluated: 2023-02-10. Review status: criteria provided, single submitter. Criteria: ACMG Guidelines, 2015. Collection method: clinical testing. Allele origin: germline.

Labcorp Genetics (formerly Invitae), Labcorp
Classification: Pathogenic for Ornithine carbamoyltransferase deficiency. Last evaluated: 2022-02-10. Review status: criteria provided, single submitter. Criteria: Invitae Variant Classification Sherloc (09022015). Collection method: clinical testing. Allele origin: germline.
Comment: For these reasons, this variant has been classified as Pathogenic. This variant, c.929_931del, results in the deletion of 1 amino acid(s) of the OTC protein (p.Glu310del), but otherwise preserves the integrity of the reading frame. This variant is not present in population databases (gnomAD no frequency). This variant has been observed in individual(s) with OTC deficiency (PMID: 7951259, 23278509, 33272297; Invitae). In at least one individual the variant was observed to be de novo. ClinVar contains an entry for this variant (Variation ID: 858012).

Literature cited by the submitters: PubMed 7951259 (cited by Labcorp Genetics (formerly Invitae), Labcorp); PubMed 23278509 (cited by Labcorp Genetics (formerly Invitae), Labcorp); PubMed 33272297 (cited by Labcorp Genetics (formerly Invitae), Labcorp).

NM_000531.6(OTC):c.926AAG[1] (p.Glu310del)

Gene: OTC (ornithine transcarbamylase; plus strand). Cytogenetic location: Xp11.4.
Variant type: Microsatellite.
Coding change: c.926AAG[1] on transcript NM_000531.6 (MANE Select); one copy of the 3-base unit AAG starting at c.926; the reference has two copies in a row; one copy, 3 bases deleted; also written c.929_931del.
Protein change: p.Glu310del; deletes glutamic acid 310.
Molecular consequence: inframe deletion.
Genome position (GRCh38, 1-based): chrX:38,411,923-38,411,925, AAG deleted; deleting any 3 consecutive bases within chrX:38,411,918-38,411,925 gives the same sequence; the position shown is the placement nearest the transcript's 3' end. VCF-style (leftmost placement, unchanged base first): chrX-38411917-CAGA-C. GRCh37 (hg19) VCF-style: chrX-38271170-CAGA-C.
Other names: c.929_931del (NM_000531.6); short protein forms E310del.
Identifiers: ClinVar variation 858012 (VCV000858012.10), dbSNP rs2068545306, ClinGen allele CA916083888.
Genomic context (GRCh38, chrX:38,411,917, plus strand): 5'-TTTAGACTGCTAAAGTTGCTGCCTCTGACTGGACATTTTTACACTGCTTGCCCAGAAAGC[CAGA>C]AGAAGTGGATGATGAAGTCTTTTATTCTCCTCGATCACTAGTGTTCCCAGAGGCAGAAAA-3'